The following is an entry in ClinVar:

ClinVar aggregate classification (germline): Uncertain significance (1 of 4 stars; one submission).

Conditions:
Tuberous sclerosis 2 (TSC2). Identifiers: Orphanet 805, MedGen C1860707, MONDO:0013199, OMIM 613254.

Submission:

Labcorp Genetics (formerly Invitae), Labcorp
Classification: Uncertain significance for Tuberous sclerosis 2. Last evaluated: 2025-05-22. Review status: criteria provided, single submitter. Criteria: Invitae Variant Classification Sherloc (09022015). Collection method: clinical testing. Allele origin: germline.
Comment: This sequence change replaces tryptophan, which is neutral and slightly polar, with leucine, which is neutral and non-polar, at codon 1610 of the TSC2 protein (p.Trp1610Leu). This variant is not present in population databases (gnomAD no frequency). This variant has not been reported in the literature in individuals affected with TSC2-related conditions. Invitae Evidence Modeling of protein sequence and biophysical properties (such as structural, functional, and spatial information, amino acid conservation, physicochemical variation, residue mobility, and thermodynamic stability) indicates that this missense variant is expected to disrupt TSC2 protein function with a positive predictive value of 95%. In summary, the available evidence is currently insufficient to determine the role of this variant in disease. Therefore, it has been classified as a Variant of Uncertain Significance.

NM_000548.5(TSC2):c.4829G>T (p.Trp1610Leu)

Gene: TSC2 (TSC complex subunit 2; plus strand). Cytogenetic location: 16p13.3.
Variant type: single nucleotide variant.
Coding change: c.4829G>T on transcript NM_000548.5 (MANE Select); coding-DNA position 4829, G replaced by T.
Protein change: p.Trp1610Leu; replaces tryptophan 1610 with leucine.
Molecular consequence: missense variant. On other transcripts: non-coding transcript variant (5).
Genome position (GRCh38, 1-based): chr16:2,086,359, G>T. VCF-style: chr16-2086359-G-T. GRCh37 (hg19) VCF-style: chr16-2136360-G-T.
Other names: c.4520G>T, p.Trp1507Leu (NM_001318827.2); c.4484G>T, p.Trp1495Leu (NM_001318829.2); c.4097G>T, p.Trp1366Leu (NM_001318831.2); c.4661G>T, p.Trp1554Leu (NM_001318832.2); c.4631G>T, p.Trp1544Leu (NM_001363528.2); c.4697G>T, p.Trp1566Leu (NM_001370404.1); c.4700G>T, p.Trp1567Leu (NM_001370405.1, NM_021055.3); c.4826G>T, p.Trp1609Leu (NM_001406663.1); and 26 more; short protein forms W1009L, W1095L, W1096L, W1118L, W1119L, W1139L, W1343L, W1344L.
Identifiers: ClinVar variation 4802889 (VCV004802889.1).
Genomic context (GRCh38, chr16:2,086,359, plus strand): 5'-ACAAGGTGTACCTGGGAGGCCTGGACGTGTGTGGTGAGGACGGCCAGTTCACCTACTGCT[G>T]GCACGATGACATCATGCAAGGTACGGCCTGGCGCCTACCCGCTCCTGCTGCCCCAGGCCT-3'
Protein context (NP_000539.2, residues 1600-1620): CGEDGQFTYC[Trp1610Leu]HDDIMQAVFH